The following is an entry in ClinVar:

ClinVar aggregate classification (germline): Pathogenic (1 of 4 stars; one submission).

Submission:

Labcorp Genetics (formerly Invitae), Labcorp
Classification: Pathogenic. Last evaluated: 2022-05-06. Review status: criteria provided, single submitter. Criteria: Invitae Variant Classification Sherloc (09022015). Collection method: clinical testing. Allele origin: germline.
Comment: This variant is a gross deletion of the genomic region encompassing exon(s) 15 of the TRAPPC9 gene. This deletion is out-of-frame, and is expected to create a premature termination codon and result in an absent or disrupted protein product. Loss-of-function variants in TRAPPC9 are known to be pathogenic (PMID: 2000476, 20004763, 20004764). This variant has not been reported in the literature in individuals affected with TRAPPC9-related conditions. For these reasons, this variant has been classified as Pathogenic.

Literature cited by the submitters: PubMed 2000476; PubMed 20004763; PubMed 20004764.

NC_000008.10:g.(?_141285737)_(141285940_?)del

Gene: TRAPPC9 (trafficking protein particle complex subunit 9; minus strand). Cytogenetic location: 8q24.3.
Variant type: Deletion.
Identifiers: ClinVar variation 2426975 (VCV002426975.4).